The following is an entry in ClinVar:

ClinVar aggregate classification (germline): Uncertain significance (1 of 4 stars; one submission).

Submission:

Labcorp Genetics (formerly Invitae), Labcorp
Classification: Uncertain significance. Last evaluated: 2025-10-02. Review status: criteria provided, single submitter. Criteria: Invitae Variant Classification Sherloc (09022015). Collection method: clinical testing. Allele origin: germline.
Comment: This sequence change replaces tyrosine, which is neutral and polar, with phenylalanine, which is neutral and non-polar, at codon 161 of the MTMR14 protein (p.Tyr161Phe). This variant is not present in population databases (gnomAD no frequency). This variant has not been reported in the literature in individuals affected with MTMR14-related conditions. Invitae Evidence Modeling of protein sequence and biophysical properties (such as structural, functional, and spatial information, amino acid conservation, physicochemical variation, residue mobility, and thermodynamic stability) indicates that this missense variant is not expected to disrupt MTMR14 protein function with a negative predictive value of 80%. Algorithms developed to predict the effect of sequence changes on RNA splicing suggest that this variant may disrupt the consensus splice site. In summary, the available evidence is currently insufficient to determine the role of this variant in disease. Therefore, it has been classified as a Variant of Uncertain Significance.

NM_001077525.3(MTMR14):c.482A>T (p.Tyr161Phe)

Gene: MTMR14 (myotubularin related protein 14; plus strand). Cytogenetic location: 3p25.3.
Variant type: single nucleotide variant.
Coding change: c.482A>T on transcript NM_001077525.3 (MANE Select); coding-DNA position 482, A replaced by T.
Protein change: p.Tyr161Phe; replaces tyrosine 161 with phenylalanine.
Molecular consequence: missense variant. On other transcripts: 5 prime UTR variant (2), non-coding transcript variant (5), intron variant (19).
Genome position (GRCh38, 1-based): chr3:9,668,783, A>T. VCF-style: chr3-9668783-A-T. GRCh37 (hg19) VCF-style: chr3-9710467-A-T.
Other names: c.482A>T, p.Tyr161Phe (NM_001077526.3, NM_001400519.1, NM_001400520.1 and 4 more transcripts); c.551A>T, p.Tyr184Phe (NM_001400518.1, NM_001400521.1, NM_001400526.1); c.200A>T, p.Tyr67Phe (NM_001400525.1, NM_001400529.1, NM_001400532.1 and 1 more transcripts); c.-161A>T (NM_001400540.1); c.-234A>T (NM_001400547.1); c.-149-649A>T (NM_001400542.1, NM_001400534.1, NM_001400541.1 and 4 more transcripts); c.-222-649A>T (NM_001400548.1); c.-88-2265A>T (NM_001400533.1, NM_001400539.1, NM_001400545.1 and 1 more transcripts); and 3 more; short protein forms Y161F, Y184F, Y67F.
Identifiers: ClinVar variation 4808140 (VCV004808140.1).